The following is an entry in ClinVar:

NM_006277.3(ITSN2):c.2605G>A (p.Val869Ile)

Gene: ITSN2 (intersectin 2; minus strand). Cytogenetic location: 2p23.3.
Variant type: single nucleotide variant.
Coding change: c.2605G>A on transcript NM_006277.3 (MANE Select); coding-DNA position 2605, G replaced by A.
Protein change: p.Val869Ile; replaces valine 869 with isoleucine.
Molecular consequence: missense variant.
Genome position (GRCh38, 1-based): chr2:24,261,183, C>T on the plus strand (G>A on the coding strand, the complement: ITSN2 is on the minus strand). VCF-style: chr2-24261183-C-T. GRCh37 (hg19) VCF-style: chr2-24484052-C-T.
Other names: c.2563G>A, p.Val855Ile (NM_001348181.2); c.2485G>A, p.Val829Ile (NM_001348182.2, NM_001348186.2); c.2524G>A, p.Val842Ile (NM_001348183.2, NM_019595.4); c.2482G>A, p.Val828Ile (NM_001348184.2); c.2566G>A, p.Val856Ile (NM_001348185.2); c.2605G>A, p.Val869Ile (NM_147152.3); short protein forms V855I, V869I, V856I, V829I, V842I, V828I.
Identifiers: ClinVar variation 3712372 (VCV003712372.2).

ClinVar aggregate classification (germline): Uncertain significance (1 of 4 stars; one submission).

gnomAD v4.1: 1 of 1,613,006 alleles (0.000062%); highest among the groups gnomAD compares: African/African-American, 0.0013%; no homozygotes.

Submission:

Labcorp Genetics (formerly Invitae), Labcorp
Classification: Uncertain significance. Last evaluated: 2025-03-31. Review status: criteria provided, single submitter. Criteria: Invitae Variant Classification Sherloc (09022015). Collection method: clinical testing. Allele origin: germline.
Comment: This sequence change replaces valine, which is neutral and non-polar, with isoleucine, which is neutral and non-polar, at codon 869 of the ITSN2 protein (p.Val869Ile). This variant is not present in population databases (gnomAD no frequency). This variant has not been reported in the literature in individuals affected with ITSN2-related conditions. Experimental studies and prediction algorithms are not available or were not evaluated, and the functional significance of this variant is currently unknown. In summary, the available evidence is currently insufficient to determine the role of this variant in disease. Therefore, it has been classified as a Variant of Uncertain Significance.